The following is an entry in ClinVar:

ClinVar aggregate classification (germline): Likely benign (0 of 4 stars; one submission).

Conditions:
LRP2-related disorder. Also called: LRP2-related condition.

gnomAD v4.1: 1 of 1,614,174 alleles (0.000062%); highest among the groups gnomAD compares: Admixed American, 0.0017%; no homozygotes.

Submission:

PreventionGenetics, part of Exact Sciences
Classification: Likely benign for LRP2-related condition. Last evaluated: 2022-12-14. Review status: no assertion criteria provided. Collection method: clinical testing. Allele origin: germline.
Comment: This variant is classified as likely benign based on ACMG/AMP sequence variant interpretation guidelines (Richards et al. 2015 PMID: 25741868, with internal and published modifications).

NM_004525.3(LRP2):c.8112C>T (p.Ser2704=)

Gene: LRP2 (LDL receptor related protein 2; minus strand). Cytogenetic location: 2q31.1.
Variant type: single nucleotide variant.
Coding change: c.8112C>T on transcript NM_004525.3 (MANE Select); coding-DNA position 8112, C replaced by T.
Protein change: p.Ser2704=; no amino-acid change (serine 2704 retained).
Molecular consequence: synonymous variant.
Genome position (GRCh38, 1-based): chr2:169,202,853, G>A on the plus strand (C>T on the coding strand, the complement: LRP2 is on the minus strand). VCF-style: chr2-169202853-G-A. GRCh37 (hg19) VCF-style: chr2-170059363-G-A.
Identifiers: ClinVar variation 3052102 (VCV003052102.2), dbSNP rs148473513, ClinGen allele CA429933249.
Genomic context (GRCh38, chr2:169,202,853, plus strand): 5'-GTCGTTGTCATTATCACACTTCCACTCTTCCGAGATGCAGCGCCCATTGGAGCAGGTGAA[G>A]GAAGATGCACCACATCGTTCACCATTGTCCACAATGCAGTGCTTCCTGTTGTTGGCCAAA-3'
Protein context (NP_004516.2, residues 2694-2714): VDNGERCGAS[Ser2704=]FTCSNGRCIS